The following is an entry in ClinVar:

NM_015559.3(SETBP1):c.2765T>A (p.Leu922His)

Gene: SETBP1 (SET binding protein 1; plus strand). Cytogenetic location: 18q12.3.
Variant type: single nucleotide variant.
Coding change: c.2765T>A on transcript NM_015559.3 (MANE Select); coding-DNA position 2765, T replaced by A.
Protein change: p.Leu922His; replaces leucine 922 with histidine.
Molecular consequence: missense variant.
Genome position (GRCh38, 1-based): chr18:44,952,105, T>A. VCF-style: chr18-44952105-T-A. GRCh37 (hg19) VCF-style: chr18-42532070-T-A.
Other names: c.2765T>A (NM_015559.2); c.2765T>A, p.Leu922His (NM_001379141.1, NM_001379142.1, NM_001410862.1); short protein forms L922H.
Identifiers: ClinVar variation 2844793 (VCV002844793.4), dbSNP rs2511473177, ClinGen allele CA402322163.

ClinVar aggregate classification (germline): Uncertain significance. Review status: criteria provided, single submitter (1 of 4 stars). 2 submissions from 2 submitters: Uncertain significance (1). 1 of the submissions does not count toward it. Last evaluated 2023-03-10.

Conditions:
SETBP1-related disorder. Also called: SETBP1-related condition; SETBP1-related disorders.

Submissions (2):

Labcorp Genetics (formerly Invitae), Labcorp
Classification: Uncertain significance. Last evaluated: 2023-03-10. Review status: criteria provided, single submitter. Criteria: Invitae Variant Classification Sherloc (09022015). Collection method: clinical testing. Allele origin: germline.
Comment: In summary, the available evidence is currently insufficient to determine the role of this variant in disease. Therefore, it has been classified as a Variant of Uncertain Significance. Advanced modeling of protein sequence and biophysical properties (such as structural, functional, and spatial information, amino acid conservation, physicochemical variation, residue mobility, and thermodynamic stability) performed at Invitae indicates that this missense variant is not expected to disrupt SETBP1 protein function. This variant has not been reported in the literature in individuals affected with SETBP1-related conditions. This variant is not present in population databases (gnomAD no frequency). This sequence change replaces leucine, which is neutral and non-polar, with histidine, which is basic and polar, at codon 922 of the SETBP1 protein (p.Leu922His).

PreventionGenetics, part of Exact Sciences
Classification: Uncertain significance for SETBP1-related condition. Last evaluated: 2024-08-21. Review status: no assertion criteria provided. Collection method: clinical testing. Allele origin: germline. Not counted in ClinVar's aggregate classification.
Comment: The SETBP1 c.2765T>A variant is predicted to result in the amino acid substitution p.Leu922His. To our knowledge, this variant has not been reported in the literature or in a large population database, indicating this variant is rare. At this time, the clinical significance of this variant is uncertain due to the absence of conclusive functional and genetic evidence.